The following is an entry in ClinVar:

NM_003872.3(NRP2):c.251+9C>T

Gene: NRP2 (neuropilin 2; plus strand). Cytogenetic location: 2q33.3.
Variant type: single nucleotide variant.
Coding change: c.251+9C>T on transcript NM_003872.3 (MANE Select); 9 bases into the intron after coding-DNA position 251, C replaced by T.
Molecular consequence: intron variant.
Genome position (GRCh38, 1-based): chr2:205,697,730, C>T. VCF-style: chr2-205697730-C-T. GRCh37 (hg19) VCF-style: chr2-206562454-C-T.
Other names: c.251+9C>T (NM_201266.2, NM_201279.2, NM_018534.4 and 2 more transcripts).
Identifiers: ClinVar variation 3045302 (VCV003045302.2), dbSNP rs187417335, ClinGen allele CA2068715.

ClinVar aggregate classification (germline): Likely benign (0 of 4 stars; one submission).

Conditions:
NRP2-related disorder. Also called: NRP2-related condition.

Allele frequency attached by ClinVar (database versions not stated): 1000 Genomes Project 0.00040; 1000 Genomes Project 30x 0.00047; ESP Exome Variant Server 0.00054; gnomAD 0.00059; TOPMed 0.00060.
gnomAD v4.1: 208 of 1,613,640 alleles (0.013%); highest among the groups gnomAD compares: African/African-American, 0.24%; 2 homozygotes.

Submission:

PreventionGenetics, part of Exact Sciences
Classification: Likely benign for NRP2-related condition. Last evaluated: 2021-07-13. Review status: no assertion criteria provided. Collection method: clinical testing. Allele origin: germline.
Comment: This variant is classified as likely benign based on ACMG/AMP sequence variant interpretation guidelines (Richards et al. 2015 PMID: 25741868, with internal and published modifications).